The following is an entry in ClinVar:

NM_178161.3(PTF1A):c.703_720del (p.Gly235_Gly240del)

Gene: PTF1A (pancreas associated transcription factor 1a; plus strand). Cytogenetic location: 10p12.2.
Variant type: Deletion.
Coding change: c.703_720del on transcript NM_178161.3 (MANE Select); coding-DNA positions 703 to 720, 18 bases deleted (GGGCCGGGCGGCGGCGGG).
Protein change: p.Gly235_Gly240del.
Molecular consequence: inframe deletion.
Genome position (GRCh38, 1-based): chr10:23,193,233-23,193,250, GGGCCGGGCGGCGGCGGG deleted; deleting any 18 consecutive bases within chr10:23,193,228-23,193,250 gives the same sequence; the c. name uses the placement nearest the transcript's 3' end. VCF-style (leftmost placement, unchanged base first): chr10-23193227-TGCGGGGGGCCGGGCGGCG-T. GRCh37 (hg19) VCF-style: chr10-23482156-TGCGGGGGGCCGGGCGGCG-T.
Other names: c.703_720del (NM_178161.2).
Identifiers: ClinVar variation 2179361 (VCV002179361.3), dbSNP rs953597943, ClinGen allele CA204733997.

ClinVar aggregate classification (germline): Uncertain significance. Review status: criteria provided, multiple submitters, no conflicts (2 of 4 stars). 2 submissions from 2 submitters: Uncertain significance (2). Last evaluated 2022-04-17.

Conditions:
Permanent neonatal diabetes mellitus-pancreatic and cerebellar agenesis syndrome. Also called: PANCREATIC AND CEREBELLAR AGENESIS. Identifiers: Orphanet 65288, MedGen C1836780, MONDO:0012192, OMIM 609069.
Pancreatic agenesis 2 (PAGEN2). Also called: PANCREATIC HYPOPLASIA, CONGENITAL 2. Identifiers: Orphanet 2805, MedGen C4014737, MONDO:0014406, OMIM 615935.

Submissions (2):

Labcorp Genetics (formerly Invitae), Labcorp
Classification: Uncertain significance. Last evaluated: 2022-04-17. Review status: criteria provided, single submitter. Criteria: Invitae Variant Classification Sherloc (09022015). Collection method: clinical testing. Allele origin: germline.
Comment: This variant, c.703_720del, results in the deletion of 6 amino acid(s) of the PTF1A protein (p.Gly235_Gly240del), but otherwise preserves the integrity of the reading frame. This variant is present in population databases (no rsID available, gnomAD 0.04%). This variant has not been reported in the literature in individuals affected with PTF1A-related conditions. Experimental studies and prediction algorithms are not available or were not evaluated, and the functional significance of this variant is currently unknown. In summary, the available evidence is currently insufficient to determine the role of this variant in disease. Therefore, it has been classified as a Variant of Uncertain Significance.

New York Genome Center
Classification: Uncertain significance for Pancreatic agenesis 2; Permanent neonatal diabetes mellitus-pancreatic and cerebellar agenesis syndrome. Last evaluated: 2022-04-06. Review status: criteria provided, single submitter. Criteria: NYGC Assertion Criteria 2020. Collection method: clinical testing. Allele origin: germline. Observed: 1 heterozygote.